The following is an entry in ClinVar:

ClinVar aggregate classification (germline): Uncertain significance. Review status: criteria provided, multiple submitters, no conflicts (2 of 4 stars). 2 submissions from 2 submitters: Uncertain significance (2). Last evaluated 2024-09-30.

Conditions:
Congenital myasthenic syndrome 8. Also called: Myasthenic syndrome, congenital, 8, with pre- and postsynaptic defects; MYASTHENIC SYNDROME, CONGENITAL, DUE TO AGRIN DEFICIENCY. Identifiers: Orphanet 590, MedGen C3808739, MONDO:0014052, OMIM 615120.
Inborn genetic diseases. Identifiers: MedGen C0950123, MeSH D030342.

Allele frequency attached by ClinVar (database versions not stated): gnomAD 0.00003 and 0.00004; TOPMed 0.00003; gnomAD exomes 0.00004 and 0.00005; ExAC 0.00011.
gnomAD v4.1: 79 of 1,569,866 alleles (0.005%); highest among the groups gnomAD compares: Non-Finnish European, 0.0055%; no homozygotes.

Submissions (2):

Ambry Genetics
Classification: Uncertain significance for Inborn genetic diseases. Last evaluated: 2024-09-30. Review status: criteria provided, single submitter. Criteria: Ambry Variant Classification Scheme 2023. Collection method: clinical testing. Allele origin: germline.

Labcorp Genetics (formerly Invitae), Labcorp
Classification: Uncertain significance for Congenital myasthenic syndrome 8. Last evaluated: 2022-08-02. Review status: criteria provided, single submitter. Criteria: Invitae Variant Classification Sherloc (09022015). Collection method: clinical testing. Allele origin: germline.
Comment: In summary, the available evidence is currently insufficient to determine the role of this variant in disease. Therefore, it has been classified as a Variant of Uncertain Significance. Algorithms developed to predict the effect of missense changes on protein structure and function (SIFT, PolyPhen-2, Align-GVGD) all suggest that this variant is likely to be tolerated. ClinVar contains an entry for this variant (Variation ID: 1019754). This variant has not been reported in the literature in individuals affected with AGRN-related conditions. The frequency data for this variant in the population databases is considered unreliable, as metrics indicate poor data quality at this position in the gnomAD database. This sequence change replaces proline, which is neutral and non-polar, with leucine, which is neutral and non-polar, at codon 1801 of the AGRN protein (p.Pro1801Leu).

NM_198576.4(AGRN):c.5402C>T (p.Pro1801Leu)

Gene: AGRN (agrin; plus strand). Cytogenetic location: 1p36.33.
Variant type: single nucleotide variant.
Coding change: c.5402C>T on transcript NM_198576.4 (MANE Select); coding-DNA position 5402, C replaced by T.
Protein change: p.Pro1801Leu; replaces proline 1801 with leucine.
Molecular consequence: missense variant.
Genome position (GRCh38, 1-based): chr1:1,051,484, C>T. VCF-style: chr1-1051484-C-T. GRCh37 (hg19) VCF-style: chr1-986864-C-T.
Other names: c.5414C>T, p.Pro1805Leu (NM_001305275.2); c.5099C>T, p.Pro1700Leu (NM_001364727.2); c.5402C>T (NM_198576.3); short protein forms P1700L, P1801L, P1805L.
Identifiers: ClinVar variation 1019754 (VCV001019754.9), dbSNP rs762249229, ClinGen allele CA510016.